The following is an entry in ClinVar:

ClinVar aggregate classification (germline): Pathogenic. Review status: criteria provided, multiple submitters, no conflicts (2 of 4 stars). 3 submissions from 3 submitters: Pathogenic (3). Last evaluated 2023-02-08.

Conditions:
RPGR-related disorder. Also called: RPGR-related condition.
Primary ciliary dyskinesia. Also called: Ciliary dyskinesia. Identifiers: Orphanet 244, MedGen C0008780, MONDO:0016575, HP:0012265.

Submissions (3):

Labcorp Genetics (formerly Invitae), Labcorp
Classification: Pathogenic for Primary ciliary dyskinesia. Last evaluated: 2023-02-08. Review status: criteria provided, single submitter. Criteria: Invitae Variant Classification Sherloc (09022015). Collection method: clinical testing. Allele origin: germline.
Comment: For these reasons, this variant has been classified as Pathogenic. This variant disrupts a region of the RPGR (ORF15) protein in which other variant(s) (p.Leu1130Lysfs*13) have been determined to be pathogenic (PMID: 22264887; Invitae). This suggests that this is a clinically significant region of the protein, and that variants that disrupt it are likely to be disease-causing. ClinVar contains an entry for this variant (Variation ID: 871438). This premature translational stop signal has been observed in individual(s) with retinitis pigmentosa (PMID: 27620828). This variant is not present in population databases (gnomAD no frequency). This sequence change creates a premature translational stop signal (p.Glu859Glyfs*219) in the RPGR (ORF15) gene. While this is not anticipated to result in nonsense mediated decay, it is expected to disrupt the last 294 amino acid(s) of the RPGR (ORF15) protein.

Blueprint Genetics
Classification: Pathogenic for RPGR-related disorders. Last evaluated: 2022-08-12. Review status: criteria provided, single submitter. Criteria: ACMG Guidelines, 2015. Collection method: clinical testing. Allele origin: germline. Affected: yes. Observed: 3 variant alleles.

CeGaT Center for Human Genetics Tuebingen
Classification: Pathogenic. Last evaluated: 2021-10-01. Review status: criteria provided, single submitter. Criteria: CeGaT Center For Human Genetics Tuebingen Variant Classification Criteria Version 2. Collection method: clinical testing. Allele origin: germline. Affected: yes. Observed: 2 variant alleles.

Literature cited by the submitters: PubMed 22264887 (cited by Labcorp Genetics (formerly Invitae), Labcorp); PubMed 27620828 (cited by Labcorp Genetics (formerly Invitae), Labcorp).

NM_001034853.2(RPGR):c.2571_2572del (p.Glu859fs)

Gene: RPGR (retinitis pigmentosa GTPase regulator; minus strand). Cytogenetic location: Xp11.4.
Variant type: Deletion.
Coding change: c.2571_2572del on transcript NM_001034853.2 (MANE Select); coding-DNA positions 2571 to 2572, 2 bases deleted (AG; older notation c.2571_2572delAG).
Protein change: p.Glu859fs; shifts the reading frame from glutamic acid 859.
Molecular consequence: frameshift variant. On other transcripts: intron variant (8).
Genome position (GRCh38, 1-based): chrX:38,286,427-38,286,428, CT deleted on the plus strand (AG on the coding strand, the reverse complement: RPGR is on the minus strand). VCF-style (leftmost placement, unchanged base first): chrX-38286426-CCT-C. GRCh37 (hg19) VCF-style: chrX-38145679-CCT-C.
Other names: c.1569+4531_1569+4532del (NM_001367249.1, NM_001367250.1); c.1902+666_1902+667del (NM_001367245.1); c.1386+4531_1386+4532del (NM_001367251.1); c.1719+666_1719+667del (NM_001367246.1); c.1572+4531_1572+4532del (NM_001367247.1); c.1905+666_1905+667del (NM_000328.3); c.1602+4531_1602+4532del (NM_001367248.1); short protein forms E859fs.
Identifiers: ClinVar variation 871438 (VCV000871438.45), dbSNP rs2067172385, ClinGen allele CA1139667419.